The following is an entry in ClinVar:

NM_014049.5(ACAD9):c.1278+1G>T

Gene: ACAD9 (acyl-CoA dehydrogenase family member 9; plus strand). Cytogenetic location: 3q21.3.
Variant type: single nucleotide variant.
Coding change: c.1278+1G>T on transcript NM_014049.5 (MANE Select); the canonical splice donor site of the intron after coding-DNA position 1278, G replaced by T.
Molecular consequence: splice donor variant.
Genome position (GRCh38, 1-based): chr3:128,906,250, G>T. VCF-style: chr3-128906250-G-T. GRCh37 (hg19) VCF-style: chr3-128625093-G-T.
Other names: c.1278+1G>T (NM_014049.4); c.909+1G>T (NM_001410805.1).
Identifiers: ClinVar variation 1345064 (VCV001345064.8), dbSNP rs766305690, ClinGen allele CA2601453.
Genomic context (GRCh38, chr3:128,906,250, plus strand): 5'-ACAAGGGACTATCCGTACGAGCGCATACTGCGTGACACCCGCATCCTCCTCATCTTCGAG[G>T]TGAGTGGCCCCGCCACCAGCTAAGCTGTGCTCCACCCCCACCCTGCCTGGTCCTAAAGAT-3'

ClinVar aggregate classification (germline): Likely pathogenic. Review status: criteria provided, multiple submitters, no conflicts (2 of 4 stars). 3 submissions from 3 submitters: Likely pathogenic (3). Last evaluated 2025-02-13.

Conditions:
Acyl-CoA dehydrogenase 9 deficiency. Also called: Acyl-CoA dehydrogenase family, member 9, deficiency of; MITOCHONDRIAL COMPLEX I DEFICIENCY, NUCLEAR TYPE 20. Identifiers: Orphanet 99901, MedGen C4747517, MONDO:0012624, OMIM 611126.

Allele frequency attached by ClinVar (database versions not stated): TOPMed below 0.00001; gnomAD 0.00001.
gnomAD v4.1: 3 of 1,613,892 alleles (0.00019%); highest among the groups gnomAD compares: East Asian, 0.0022%; no homozygotes.

Submissions (3):

Natera, Inc.
Classification: Likely pathogenic for ACAD9 deficiency. Last evaluated: 2025-02-13. Review status: criteria provided, single submitter. Criteria: Natera Variant Classification Schema (03/2026). Collection method: clinical testing. Allele origin: germline.
Comment: The c.1278+1G>T variant in ACAD9 is a canonical splice donor site variant predicted to affect pre-mRNA splicing, which may result in an abnormal transcript and altered protein product. This variant is expected to result in nonsense mediated decay, truncation, or a dysfunctional protein product. This variant is rare in the general population with a frequency below the threshold expected for the associated phenotype(s). Given the available evidence, this variant is classified as Likely Pathogenic.

Baylor Genetics
Classification: Likely pathogenic for Acyl-CoA dehydrogenase 9 deficiency. Last evaluated: 2023-08-30. Review status: criteria provided, single submitter. Criteria: ACMG Guidelines, 2015. Collection method: clinical testing. Allele origin: unknown.

Labcorp Genetics (formerly Invitae), Labcorp
Classification: Likely pathogenic. Last evaluated: 2022-06-10. Review status: criteria provided, single submitter. Criteria: Invitae Variant Classification Sherloc (09022015). Collection method: clinical testing. Allele origin: germline.
Comment: In summary, the currently available evidence indicates that the variant is pathogenic, but additional data are needed to prove that conclusively. Therefore, this variant has been classified as Likely Pathogenic. Algorithms developed to predict the effect of sequence changes on RNA splicing suggest that this variant may disrupt the consensus splice site. This variant has not been reported in the literature in individuals affected with ACAD9-related conditions. This variant is present in population databases (rs766305690, gnomAD 0.007%). This sequence change affects a donor splice site in intron 12 of the ACAD9 gene. It is expected to disrupt RNA splicing. Variants that disrupt the donor or acceptor splice site typically lead to a loss of protein function (PMID: 16199547), and loss-of-function variants in ACAD9 are known to be pathogenic (PMID: 25721401).

Literature cited by the submitters: PubMed 16199547 (cited by Labcorp Genetics (formerly Invitae), Labcorp); PubMed 25721401 (cited by Labcorp Genetics (formerly Invitae), Labcorp).